The following is an entry in ClinVar:

NM_001032283.3(TMPO):c.565+2167C>T

Gene: TMPO (thymopoietin; plus strand). Cytogenetic location: 12q23.1.
Variant type: single nucleotide variant.
Coding change: c.565+2167C>T on transcript NM_001032283.3 (MANE Select); 2167 bases into the intron after coding-DNA position 565, C replaced by T.
Molecular consequence: intron variant. On other transcripts: missense variant (1).
Genome position (GRCh38, 1-based): chr12:98,534,005, C>T. VCF-style: chr12-98534005-C-T. GRCh37 (hg19) VCF-style: chr12-98927783-C-T.
Other names: c.1748C>T, p.Ala583Val (NM_003276.2); c.565+2167C>T (NM_001307975.2, NM_001032284.3); short protein forms A583V.
Identifiers: ClinVar variation 3458780 (VCV003458780.2).
Genomic context (GRCh38, chr12:98,534,005, plus strand): 5'-AGCAGTTGGACTTAGCACTCTGTAGAGCATATGAAGCTGCAGCATCAGCATTGCAGATTG[C>T]AACTCACACTGCCTTTGTAGCTAAGGCTATGCAGGCAGACATTAGTCAAGCTGCACAGAT-3'

ClinVar aggregate classification (germline): Uncertain significance (1 of 4 stars; one submission).

gnomAD v4.1: 1 of 1,607,622 alleles (0.000062%); highest among the groups gnomAD compares: African/African-American, 0.0013%; no homozygotes.

Submission:

Ambry Genetics
Classification: Uncertain significance. Last evaluated: 2025-11-02. Review status: criteria provided, single submitter. Criteria: Ambry Variant Classification Scheme 2023. Collection method: clinical testing. Allele origin: germline.
Comment: The p.A583V variant (also known as c.1748C>T), located in coding exon 4 of the TMPO gene, results from a C to T substitution at nucleotide position 1748. The alanine at codon 583 is replaced by valine, an amino acid with similar properties. This amino acid position is conserved. In addition, the in silico prediction for this alteration is inconclusive. Based on the available evidence, the clinical significance of this variant remains unclear.